The following is an entry in ClinVar:

ClinVar aggregate classification (germline): Uncertain significance (1 of 4 stars; one submission).

Submission:

Ambry Genetics
Classification: Uncertain significance. Last evaluated: 2025-06-22. Review status: criteria provided, single submitter. Criteria: Ambry Variant Classification Scheme 2023. Collection method: clinical testing. Allele origin: germline.
Comment: The p.A305V variant (also known as c.914C>T), located in coding exon 9 of the SRP72 gene, results from a C to T substitution at nucleotide position 914. The alanine at codon 305 is replaced by valine, an amino acid with similar properties. This amino acid position is conserved. In addition, the in silico prediction for this alteration is inconclusive. Based on the available evidence, the clinical significance of this variant remains unclear.

NM_006947.4(SRP72):c.914C>T (p.Ala305Val)

Gene: SRP72 (signal recognition particle 72; plus strand). Cytogenetic location: 4q12.
Variant type: single nucleotide variant.
Coding change: c.914C>T on transcript NM_006947.4 (MANE Select); coding-DNA position 914, C replaced by T.
Protein change: p.Ala305Val; replaces alanine 305 with valine.
Molecular consequence: missense variant. On other transcripts: non-coding transcript variant (1).
Genome position (GRCh38, 1-based): chr4:56,483,227, C>T. VCF-style: chr4-56483227-C-T. GRCh37 (hg19) VCF-style: chr4-57349393-C-T.
Other names: c.731C>T, p.Ala244Val (NM_001267722.2); short protein forms A305V, A244V.
Identifiers: ClinVar variation 4174905 (VCV004174905.1).